The following is an entry in ClinVar:

ClinVar aggregate classification (germline): Uncertain significance (1 of 4 stars; one submission).

Submission:

GeneDx
Classification: Uncertain significance. Last evaluated: 2023-07-16. Review status: criteria provided, single submitter. Criteria: GeneDx Variant Classification Process June 2021. Collection method: clinical testing. Allele origin: germline. Affected: yes.
Comment: Not observed at significant frequency in large population cohorts (gnomAD); In silico analysis supports that this missense variant does not alter protein structure/function; Has not been previously published as pathogenic or benign to our knowledge

NM_015884.4(MBTPS2):c.1151G>A (p.Ser384Asn)

Gene: MBTPS2 (membrane bound transcription factor peptidase, site 2; plus strand). Cytogenetic location: Xp22.12.
Variant type: single nucleotide variant.
Coding change: c.1151G>A on transcript NM_015884.4 (MANE Select); coding-DNA position 1151, G replaced by A.
Protein change: p.Ser384Asn; replaces serine 384 with asparagine.
Molecular consequence: missense variant.
Genome position (GRCh38, 1-based): chrX:21,878,582, G>A. VCF-style: chrX-21878582-G-A. GRCh37 (hg19) VCF-style: chrX-21896700-G-A.
Other names: short protein forms S384N.
Identifiers: ClinVar variation 3361062 (VCV003361062.1).